The following is an entry in ClinVar:

NM_005045.4(RELN):c.6199T>C (p.Ser2067Pro)

Gene: RELN (reelin; minus strand). Cytogenetic location: 7q22.1.
Variant type: single nucleotide variant.
Coding change: c.6199T>C on transcript NM_005045.4 (MANE Select); coding-DNA position 6199, T replaced by C.
Protein change: p.Ser2067Pro; replaces serine 2067 with proline.
Molecular consequence: missense variant.
Genome position (GRCh38, 1-based): chr7:103,551,170, A>G on the plus strand (T>C on the coding strand, the complement: RELN is on the minus strand). VCF-style: chr7-103551170-A-G. GRCh37 (hg19) VCF-style: chr7-103191617-A-G.
Other names: c.6199T>C, p.Ser2067Pro (NM_173054.3); short protein forms S2067P.
Identifiers: ClinVar variation 917619 (VCV000917619.2), dbSNP rs1830401821, ClinGen allele CA368738099.

ClinVar aggregate classification (germline): Uncertain significance (1 of 4 stars; one submission).

Submission:

Women's Health and Genetics/Laboratory Corporation of America, LabCorp
Classification: Uncertain significance. Last evaluated: 2021-05-04. Review status: criteria provided, single submitter. Criteria: LabCorp Variant Classification Summary - May 2015. Collection method: clinical testing. Allele origin: germline.
Comment: Variant summary: RELN c.6199T>C (p.Ser2067Pro) results in a non-conservative amino acid change in the encoded protein sequence. Two of four in-silico tools predict a benign effect of the variant on protein function. The variant was absent in 251152 control chromosomes. The available data on variant occurrences in the general population are insufficient to allow any conclusion about variant significance. To our knowledge, no occurrence of c.6199T>C in individuals affected with Epilepsy Familial Temporal Lobe 7 and no experimental evidence demonstrating its impact on protein function have been reported. No clinical diagnostic laboratories have submitted clinical-significance assessments for this variant to ClinVar after 2014. Based on the evidence outlined above, the variant was classified as uncertain significance.